The following is an entry in ClinVar:

NM_000051.4(ATM):c.1120C>T (p.Gln374Ter)

Gene: ATM (ATM serine/threonine kinase; plus strand). Cytogenetic location: 11q22.3.
Variant type: single nucleotide variant.
Coding change: c.1120C>T on transcript NM_000051.4 (MANE Select); coding-DNA position 1120, C replaced by T.
Protein change: p.Gln374Ter; replaces glutamine 374 with a stop codon.
Molecular consequence: nonsense.
Genome position (GRCh38, 1-based): chr11:108,248,987, C>T. VCF-style: chr11-108248987-C-T. GRCh37 (hg19) VCF-style: chr11-108119714-C-T.
Other names: c.1120C>T, p.Gln374Ter (NM_001351834.2); short protein forms Q374*.
Identifiers: ClinVar variation 553261 (VCV000553261.22), dbSNP rs1185204988, ClinGen allele CA382532421.
Genomic context (GRCh38, chr11:108,248,987, plus strand): 5'-TTACAGGTTTTTAATGAAGATACCAGATCCTTGGAGATTTCTCAATCTTACACTACTACA[C>T]AAAGAGAATCTAGTGATTACAGTGTCCCTTGCAAAAGGAAGAAAATAGAACTAGGCTGGG-3'

ClinVar aggregate classification (germline): Pathogenic. Review status: criteria provided, multiple submitters, no conflicts (2 of 4 stars). 6 submissions from 6 submitters: Pathogenic (5). 1 of the submissions does not count toward it. Last evaluated 2025-09-22.

Conditions:
Ataxia-telangiectasia syndrome (AT). Also called: Ataxia-telangiectasia, complementation group D; AT, COMPLEMENTATION GROUP C; Ataxia-telangiectasia, complementation group E; LOUIS-BAR SYNDROME; Cerebello-oculocutaneous telangiectasia; Immunodeficiency with ataxia telangiectasia. Identifiers: Orphanet 100, MedGen C0004135, MONDO:0008840, OMIM 208900.
Familial cancer of breast. Also called: hereditary breast carcinoma; BREAST CANCER, FAMILIAL; Hereditary breast cancer. Identifiers: Orphanet 227535, MedGen C0346153, MONDO:0016419, OMIM 114480. Disease mechanism: loss of function.
Hereditary cancer-predisposing syndrome. Also called: Hereditary Cancer Syndrome; Hereditary neoplastic syndrome; Neoplastic Syndromes, Hereditary; Tumor predisposition. Identifiers: Orphanet 140162, MedGen C0027672, MeSH D009386, MONDO:0015356.

Submissions (6):

Ambry Genetics
Classification: Pathogenic for Hereditary cancer-predisposing syndrome. Last evaluated: 2025-09-22. Review status: criteria provided, single submitter. Criteria: Ambry Variant Classification Scheme 2023. Collection method: clinical testing. Allele origin: germline.
Comment: The p.Q374* pathogenic mutation (also known as c.1120C>T), located in coding exon 8 of the ATM gene, results from a C to T substitution at nucleotide position 1120. This changes the amino acid from a glutamine to a stop codon within coding exon 8. This mutation has been described as a Costa Rican founder mutation that has been observed in multiple ataxia-telangiectasia patients (Telatar M et al. Mol. Genet. Metab., 1998 May;64:36-43). This mutation has also been reported in conjunction with deletion of chromosome 11q in patients with chronic lymphocytic leukemia (Austen B et al. J. Clin. Oncol., 2007 Dec;25:5448-57; Skowronska A et al. Haematologica, 2012 Jan;97:142-6). This variant is considered to be rare based on population cohorts in the Genome Aggregation Database (gnomAD). This alteration is expected to result in loss of function by premature protein truncation or nonsense-mediated mRNA decay. As such, this alteration is interpreted as a disease-causing mutation.

Myriad Genetics, Inc.
Classification: Pathogenic for Familial cancer of breast. Last evaluated: 2024-01-12. Review status: criteria provided, single submitter. Criteria: Myriad Autosomal Dominant, Autosomal Recessive and X-Linked Classification Criteria (2023). Collection method: clinical testing. Allele origin: unknown.
Comment: This variant is considered pathogenic. This variant creates a termination codon and is predicted to result in premature protein truncation.

Labcorp Genetics (formerly Invitae), Labcorp
Classification: Pathogenic for Ataxia-telangiectasia syndrome. Last evaluated: 2023-07-31. Review status: criteria provided, single submitter. Criteria: Invitae Variant Classification Sherloc (09022015). Collection method: clinical testing. Allele origin: germline.
Comment: For these reasons, this variant has been classified as Pathogenic. ClinVar contains an entry for this variant (Variation ID: 553261). This premature translational stop signal has been observed in individual(s) with clinical features of ataxia-telangiectasia (PMID: 9682216, 10425038). This variant is not present in population databases (gnomAD no frequency). This sequence change creates a premature translational stop signal (p.Gln374*) in the ATM gene. It is expected to result in an absent or disrupted protein product. Loss-of-function variants in ATM are known to be pathogenic (PMID: 23807571, 25614872).

Color Diagnostics, LLC DBA Color Health
Classification: Pathogenic for Hereditary cancer-predisposing syndrome. Last evaluated: 2023-04-03. Review status: criteria provided, single submitter. Criteria: ACMG Guidelines, 2015. Collection method: clinical testing. Allele origin: germline.
Comment: This variant changes 1 nucleotide in exon 9 of the ATM gene, creating a premature translation stop signal. This variant is expected to result in an absent or non-functional protein product. To our knowledge, functional studies have not been performed for this variant. This variant has been reported in individuals affected with ataxia-telangiectasia cancer in the literature and is considered a founder in the Costa Rican population (PMID 9682216, 10425038). This variant has not been identified in the general population by the Genome Aggregation Database (gnomAD). Loss of ATM function is a known mechanism of disease. Based on the available evidence, this variant is classified as Pathogenic.

Fulgent Genetics
Classification: Pathogenic for Familial cancer of breast; Ataxia-telangiectasia syndrome. Last evaluated: 2018-10-31. Review status: criteria provided, single submitter. Criteria: ACMG Guidelines, 2015. Collection method: clinical testing. Allele origin: unknown.

Counsyl
Classification: Likely pathogenic for Ataxia-telangiectasia syndrome. Last evaluated: 2017-08-24. Review status: no assertion criteria provided. Collection method: clinical testing. Allele origin: unknown. Not counted in ClinVar's aggregate classification.

Literature cited by the submitters: PubMed 12815592 (cited by Ambry Genetics); PubMed 17968022 (cited by Ambry Genetics); PubMed 21933854 (cited by Ambry Genetics); PubMed 25525159 (cited by Ambry Genetics); PubMed 9682216 (cited by 4 submitters); PubMed 10425038 (cited by Labcorp Genetics (formerly Invitae), Labcorp and Color Diagnostics, LLC DBA Color Health); PubMed 23807571 (cited by Labcorp Genetics (formerly Invitae), Labcorp); PubMed 25614872 (cited by Labcorp Genetics (formerly Invitae), Labcorp).